The following is an entry in ClinVar:

GRCh37/hg19 15q26.1(chr15:93464314-93532937)x1

Gene: CHD2 (chromodomain helicase DNA binding protein 2; plus strand). Cytogenetic location: 15q26.1.
Variant type: copy number loss.
Change: copy number 1 (one copy instead of two) of chr15:93,464,314-93,532,937 (68.6 kb, GRCh37 coordinates, 1-based), cytogenetic band 15q26.1.
Identifiers: ClinVar variation 3391926 (VCV003391926.1).

ClinVar aggregate classification (germline): Pathogenic (1 of 4 stars; one submission).

Submission:

Quest Diagnostics Nichols Institute San Juan Capistrano
Classification: Pathogenic. Last evaluated: 2023-12-14. Review status: criteria provided, single submitter. Criteria: ACMG/ClinGen CNV Guidelines, 2019. Collection method: clinical testing. Allele origin: unknown.
Comment: This loss involves multiple exons (NM_001271.4) of an intragenic portion of CHD2 (OMIM 602119). Haploinsufficiency of CHD2 is associated with autosomal dominant developmental and epileptic encephalopathy-94 (OMIM 615369; CCID:006852; Carvill 2021, Chenier 2014, Truty 2019). There are no similar copy number losses of this region in the general populations of the Database of Genomic Variants. Thus, this copy number variant (CNV) is classified as pathogenic. References: Carvill et al., [2021 Jan 21]. GeneReviews. PMID: 26677509; Chenier et al., J Neurodev Disord. 2014;6(1):9. PMID: 24834135; Truty et al., Epilepsia Open. 2019 Jul 1;4(3):397-408. PMID: 31440721